The following is an entry in ClinVar:

ClinVar aggregate classification (germline): Conflicting classifications of pathogenicity. Review status: criteria provided, conflicting classifications (1 of 4 stars). 2 submissions from 2 submitters: Uncertain significance (1); Likely benign (1). Last evaluated 2025-05-07.

Conditions:
TTN-related disorder. Also called: TTN-related condition; TTN-related disease; TTN-related disorders.

Allele frequency attached by ClinVar (database versions not stated): gnomAD exomes 0.00003 and 0.00009; gnomAD 0.00006; ExAC 0.00012; TOPMed 0.00015; 1000 Genomes Project 0.00060; 1000 Genomes Project 30x 0.00062.
gnomAD v4.1: 62 of 1,613,024 alleles (0.0038%); highest among the groups gnomAD compares: South Asian, 0.034%; no homozygotes.

Submissions (2):

PreventionGenetics, part of Exact Sciences
Classification: Likely benign for TTN-related condition. Last evaluated: 2025-05-07. Review status: criteria provided, single submitter. Criteria: ACMG Guidelines, 2015. Collection method: clinical testing. Allele origin: germline.
Comment: This variant is classified as likely benign based on ACMG/AMP sequence variant interpretation guidelines (Richards et al. 2015 PMID: 25741868, with internal and published modifications).

Eurofins Ntd Llc (ga)
Classification: Uncertain significance. Last evaluated: 2017-01-16. Review status: criteria provided, single submitter. Criteria: EGL Classification Definitions 2015. Collection method: clinical testing. Allele origin: germline. Observed: 1 variant allele, 1 heterozygote.

NM_133379.5(TTN):c.15129C>T (p.Ser5043=)

Genes: TTN (titin; minus strand), LOC126806432 (CDK7 strongly-dependent group 2 enhancer GRCh37_chr2:179611985-179613184; plus strand). Cytogenetic location: 2q31.2.
Variant type: single nucleotide variant.
Coding change: c.15129C>T on transcript NM_133379.5; coding-DNA position 15129, C replaced by T.
Protein change: p.Ser5043=; no amino-acid change (serine 5043 retained).
Molecular consequence: synonymous variant. On other transcripts: intron variant (6).
Genome position (GRCh38, 1-based): chr2:178,747,271, G>A on the plus strand (C>T on the coding strand, the complement: TTN is on the minus strand). VCF-style: chr2-178747271-G-A. GRCh37 (hg19) VCF-style: chr2-179611998-G-A.
Other names: c.10223-5350C>T (NM_003319.4); c.10799-5350C>T (NM_133437.4); c.10598-5350C>T (NM_133432.3); c.10360+5853C>T (NM_133378.4); c.10361-5350C>T (NM_001256850.1); c.11312-5350C>T (NM_001267550.2); c.15129C>T (NM_133379.4).
Identifiers: ClinVar variation 499874 (VCV000499874.6), dbSNP rs557087941, ClinGen allele CA2003169.